The following is an entry in ClinVar:

NM_006244.4(PPP2R5B):c.32C>T (p.Pro11Leu)

Gene: PPP2R5B (protein phosphatase 2 regulatory subunit B'beta; plus strand). Cytogenetic location: 11q13.1.
Variant type: single nucleotide variant.
Coding change: c.32C>T on transcript NM_006244.4 (MANE Select); coding-DNA position 32, C replaced by T.
Protein change: p.Pro11Leu; replaces proline 11 with leucine.
Molecular consequence: missense variant.
Genome position (GRCh38, 1-based): chr11:64,925,766, C>T. VCF-style: chr11-64925766-C-T. GRCh37 (hg19) VCF-style: chr11-64693238-C-T.
Other names: c.32C>T (NM_006244.3); short protein forms P11L.
Identifiers: ClinVar variation 1351301 (VCV001351301.7), dbSNP rs763889029, ClinGen allele CA6086697.

ClinVar aggregate classification (germline): Uncertain significance. Review status: criteria provided, multiple submitters, no conflicts (2 of 4 stars). 2 submissions from 2 submitters: Uncertain significance (2). Last evaluated 2024-07-26.

Allele frequency attached by ClinVar (database versions not stated): TOPMed 0.00002; ExAC 0.00003; gnomAD exomes 0.00004.
gnomAD v4.1: 9 of 1,593,100 alleles (0.00056%); highest among the groups gnomAD compares: Admixed American, 0.014%; no homozygotes.

Submissions (2):

Ambry Genetics
Classification: Uncertain significance. Last evaluated: 2024-07-26. Review status: criteria provided, single submitter. Criteria: Ambry Variant Classification Scheme 2023. Collection method: clinical testing. Allele origin: germline.

Labcorp Genetics (formerly Invitae), Labcorp
Classification: Uncertain significance. Last evaluated: 2021-09-02. Review status: criteria provided, single submitter. Criteria: Invitae Variant Classification Sherloc (09022015). Collection method: clinical testing. Allele origin: germline.
Comment: This sequence change replaces proline with leucine at codon 11 of the PPP2R5B protein (p.Pro11Leu). The proline residue is weakly conserved and there is a moderate physicochemical difference between proline and leucine. This variant is present in population databases (rs763889029, ExAC 0.03%). This variant has not been reported in the literature in individuals affected with PPP2R5B-related conditions. Algorithms developed to predict the effect of missense changes on protein structure and function are either unavailable or do not agree on the potential impact of this missense change (SIFT: "Tolerated"; PolyPhen-2: "Possibly Damaging"; Align-GVGD: "Class C0"). In summary, the available evidence is currently insufficient to determine the role of this variant in disease. Therefore, it has been classified as a Variant of Uncertain Significance.